The following is an entry in ClinVar:

ClinVar aggregate classification (germline): Uncertain significance (1 of 4 stars; one submission).

Conditions:
Cornelia de Lange syndrome 5 (CDLS5). Also called: HDAC8-Related Cornelia de Lange Syndrome. Identifiers: Orphanet 199, MedGen C3550903, MONDO:0010471, OMIM 300882.

gnomAD v4.1: 9 of 1,206,743 alleles (0.00075%); highest among the groups gnomAD compares: Non-Finnish European, 0.001%; no homozygotes.

Submission:

Labcorp Genetics (formerly Invitae), Labcorp
Classification: Uncertain significance for Cornelia de Lange syndrome 5. Last evaluated: 2025-04-27. Review status: criteria provided, single submitter. Criteria: Invitae Variant Classification Sherloc (09022015). Collection method: clinical testing. Allele origin: germline.
Comment: This sequence change replaces arginine, which is basic and polar, with glutamine, which is neutral and polar, at codon 167 of the HDAC8 protein (p.Arg167Gln). This variant is not present in population databases (gnomAD no frequency). This variant has not been reported in the literature in individuals affected with HDAC8-related conditions. ClinVar contains an entry for this variant (Variation ID: 1952475). Invitae Evidence Modeling of protein sequence and biophysical properties (such as structural, functional, and spatial information, amino acid conservation, physicochemical variation, residue mobility, and thermodynamic stability) indicates that this missense variant is not expected to disrupt HDAC8 protein function with a negative predictive value of 80%. In summary, the available evidence is currently insufficient to determine the role of this variant in disease. Therefore, it has been classified as a Variant of Uncertain Significance.

NM_018486.3(HDAC8):c.500G>A (p.Arg167Gln)

Gene: HDAC8 (histone deacetylase 8; minus strand). Cytogenetic location: Xq13.1.
Variant type: single nucleotide variant.
Coding change: c.500G>A on transcript NM_018486.3 (MANE Select); coding-DNA position 500, G replaced by A.
Protein change: p.Arg167Gln; replaces arginine 167 with glutamine.
Molecular consequence: missense variant. On other transcripts: non-coding transcript variant (1).
Genome position (GRCh38, 1-based): chrX:72,495,206, C>T on the plus strand (G>A on the coding strand, the complement: HDAC8 is on the minus strand). VCF-style: chrX-72495206-C-T. GRCh37 (hg19) VCF-style: chrX-71715056-C-T.
Other names: c.227G>A, p.Arg76Gln (NM_001166418.2, NM_001166448.2, NM_001410728.1); c.500G>A, p.Arg167Gln (NM_001166419.2, NM_001410725.1, NM_001410727.1 and 2 more transcripts); short protein forms R167Q, R76Q.
Identifiers: ClinVar variation 1952475 (VCV001952475.5), dbSNP rs1308079591, ClinGen allele CA413640134.